The following is an entry in ClinVar:

ClinVar aggregate classification (germline): Pathogenic. Review status: criteria provided, multiple submitters, no conflicts (2 of 4 stars). 10 submissions from 10 submitters: Pathogenic (10). Last evaluated 2025-04-09.

Conditions:
Seizure. Also called: Seizures. Identifiers: MedGen C0036572, HP:0001250.
Encephalopathy due to GLUT1 deficiency. Also called: Classic Glucose Transporter Type 1 Deficiency Syndrome; GLUCOSE TRANSPORT DEFECT, BLOOD-BRAIN BARRIER; De Vivo disease; GLUT1 deficiency syndrome 1; Glucose transporter protein syndrome; GLUT1 deficiency syndrome 1, infantile onset, severe. Identifiers: Orphanet 71277, MedGen C4551966, MONDO:0011724, OMIM 606777.
Childhood onset GLUT1 deficiency syndrome 2. Also called: Paroxysmal exercise-induced dystonia; GLUT1 deficiency syndrome 2; PxMD-SLC2A1; Exertion-induced paroxysmal dyskinesia; PAROXYSMAL EXERCISE-INDUCED DYSKINESIA WITH OR WITHOUT EPILEPSY AND/OR HEMOLYTIC ANEMIA; PAROXYSMAL EXERTION-INDUCED DYSTONIA WITH OR WITHOUT EPILEPSY AND/OR HEMOLYTIC ANEMIA. Identifiers: Orphanet 98811, MedGen C1842534, MONDO:0012805, OMIM 612126.
Dystonia 9 (DYT9). Also called: CHOREOATHETOSIS, KINESIGENIC, WITH EPISODIC ATAXIA AND SPASTICITY. Identifiers: Orphanet 53583, MedGen C1832855, MONDO:0010983, OMIM 601042.
Hereditary cryohydrocytosis with reduced stomatin. Also called: Stomatin-deficient cryohydrocytosis with neurologic defects; GLUT1 DEFICIENCY SYNDROME WITH PSEUDOHYPERKALEMIA AND HEMOLYSIS. Identifiers: Orphanet 168577, MedGen C1837206, MONDO:0012143, OMIM 608885.
Epilepsy, idiopathic generalized, susceptibility to, 12 (EIG12). Identifiers: MedGen C3553859, MONDO:0013919, OMIM 614847.
GLUT1 deficiency syndrome 1, autosomal recessive. Identifiers: MedGen C3149117.
SLC2A1-related disorder. Also called: SLC2A1-related disorders; SLC2A1-related condition.

Submissions (10):

Cytogénomique, Hospices Civils de Lyon
Classification: Pathogenic for Seizure. Last evaluated: 2025-04-09. Review status: criteria provided, single submitter. Criteria: ACMG Guidelines, 2015. Collection method: clinical testing. Allele origin: unknown. Affected: yes.

3billion
Classification: Pathogenic for Childhood onset GLUT1 deficiency syndrome 2. Last evaluated: 2024-09-29. Review status: criteria provided, single submitter. Criteria: ACMG Guidelines, 2015. Collection method: clinical testing. Allele origin: germline. Affected: yes.
Comment: The variant is not observed in the gnomAD v4.1.0 dataset. Predicted Consequence/Location: Missense variant In silico tool predictions suggest damaging effect of the variant on gene or gene product [3Cnet: 0.70 (>=0.6, sensitivity 0.72 and precision 0.9)]. The same nucleotide change resulting in the same amino acid change has been previously reported as pathogenic/likely pathogenic with strong evidence (ClinVar ID: VCV000662199 /PMID: 15622525 /3billion dataset). The variant has been observed in multiple (>3) similarly affected unrelated individuals (PMID: 15622525, 16217704, 23340081, 28116237, 28961260). Different missense changes at the same codon (p.Asn34Asp, p.Asn34Ile, p.Asn34Lys, p.Asn34Tyr) have been reported as pathogenic/likely pathogenic with strong evidence (ClinVar ID: VCV000016115, VCV000159921, VCV000666289 /PMID: 15132717, 20129935, 32901917, 34712575 /3billion dataset). Therefore, this variant is classified as Pathogenic according to the recommendation of ACMG/AMP guideline.

Labcorp Genetics (formerly Invitae), Labcorp
Classification: Pathogenic for GLUT1 deficiency syndrome 1, autosomal recessive. Last evaluated: 2024-09-23. Review status: criteria provided, single submitter. Criteria: Invitae Variant Classification Sherloc (09022015). Collection method: clinical testing. Allele origin: germline.
Comment: This sequence change replaces asparagine, which is neutral and polar, with serine, which is neutral and polar, at codon 34 of the SLC2A1 protein (p.Asn34Ser). This variant is not present in population databases (gnomAD no frequency). This missense change has been observed in individual(s) with autosomal dominant GLUT1 deficiency (PMID: 15622525, 16217704, 23340081, 28116237, 28961260). In at least one individual the variant was observed to be de novo. This variant is also known as c.280A>G. ClinVar contains an entry for this variant (Variation ID: 662199). Invitae Evidence Modeling incorporating data from in vitro experimental studies (internal data) did not meet the statistical confidence thresholds required to predict the impact of this variant on SLC2A1 function. For these reasons, this variant has been classified as Pathogenic.

Blueprint Genetics
Classification: Pathogenic for SLC2A1-related disorders. Last evaluated: 2024-03-06. Review status: criteria provided, single submitter. Criteria: ACMG Guidelines, 2015. Collection method: clinical testing. Allele origin: germline. Affected: yes. Observed: 1 variant allele.

Genome-Nilou Lab
Classification: Pathogenic for Encephalopathy due to GLUT1 deficiency. Last evaluated: 2023-04-11. Review status: criteria provided, single submitter. Criteria: ACMG Guidelines, 2015. Collection method: clinical testing. Allele origin: germline. Affected: no.

Fulgent Genetics
Classification: Pathogenic for Dystonia 9; Encephalopathy due to GLUT1 deficiency; Hereditary cryohydrocytosis with reduced stomatin; Childhood onset GLUT1 deficiency syndrome 2; Epilepsy, idiopathic generalized, susceptibility to, 12. Last evaluated: 2022-01-27. Review status: criteria provided, single submitter. Criteria: ACMG Guidelines, 2015. Collection method: clinical testing. Allele origin: unknown.

GeneDx
Classification: Pathogenic. Last evaluated: 2022-01-06. Review status: criteria provided, single submitter. Criteria: GeneDx Variant Classification Process June 2021. Collection method: clinical testing. Allele origin: germline. Affected: yes.
Comment: Not observed at significant frequency in large population cohorts (gnomAD); In silico analysis supports that this missense variant has a deleterious effect on protein structure/function; This variant is associated with the following publications: (PMID: 15622525, 30616884, 28961260, 29199027, 16217704, 28018440, 30895386, 28116237, 23340081, 32025761, 32712428, 24847886)

Institute of Medical Genetics and Applied Genomics, University Hospital Tübingen
Classification: Pathogenic. Last evaluated: 2020-10-23. Review status: criteria provided, single submitter. Criteria: ACMG Guidelines, 2015. Collection method: clinical testing. Allele origin: germline. Inheritance: Unknown mechanism. Affected: yes.

Institute of Human Genetics, University of Leipzig Medical Center
Classification: Pathogenic for Encephalopathy due to GLUT1 deficiency. Last evaluated: 2020-10-06. Review status: criteria provided, single submitter. Criteria: ACMG Guidelines, 2015. Collection method: clinical testing. Allele origin: de novo. Affected: yes.
Comment: This variant was identified as de novo (maternity and paternity confirmed).

Institute of Human Genetics Munich, TUM University Hospital
Classification: Pathogenic for Encephalopathy due to GLUT1 deficiency. Last evaluated: 2019-10-07. Review status: criteria provided, single submitter. Criteria: Classification criteria August 2017. Collection method: clinical testing. Allele origin: de novo. Inheritance: Autosomal dominant inheritance. Affected: yes. Observed: 1 heterozygote.

Literature cited by the submitters: PubMed 15132717 (cited by 3billion); PubMed 23340081 (cited by 3billion and Labcorp Genetics (formerly Invitae), Labcorp); PubMed 28116237 (cited by 3billion and Labcorp Genetics (formerly Invitae), Labcorp); PubMed 15622525 (cited by 3billion and Labcorp Genetics (formerly Invitae), Labcorp); PubMed 16217704 (cited by 3billion and Labcorp Genetics (formerly Invitae), Labcorp); PubMed 28961260 (cited by 3billion and Labcorp Genetics (formerly Invitae), Labcorp).

NM_006516.4(SLC2A1):c.101A>G (p.Asn34Ser)

Gene: SLC2A1 (solute carrier family 2 member 1; minus strand). Cytogenetic location: 1p34.2.
Variant type: single nucleotide variant.
Coding change: c.101A>G on transcript NM_006516.4 (MANE Select); coding-DNA position 101, A replaced by G.
Protein change: p.Asn34Ser; replaces asparagine 34 with serine.
Molecular consequence: missense variant.
Genome position (GRCh38, 1-based): chr1:42,943,239, T>C on the plus strand (A>G on the coding strand, the complement: SLC2A1 is on the minus strand). VCF-style: chr1-42943239-T-C. GRCh37 (hg19) VCF-style: chr1-43408910-T-C.
Other names: short protein forms N34S.
Identifiers: ClinVar variation 662199 (VCV000662199.24), dbSNP rs80359812, ClinGen allele CA339964752.